The following is an entry in ClinVar:

GRCh38/hg38 Xq28(chrX:154375606-154392000)x0

Genes: EMD (emerin; plus strand), LOC130068863 (ATAC-STARR-seq lymphoblastoid silent region 21097; plus strand), LOC130068864 (ATAC-STARR-seq lymphoblastoid silent region 21098; plus strand), LOC107988033 (Xq28 distal FLNA-EMD recombination region; plus strand), LOC130068862 (ATAC-STARR-seq lymphoblastoid silent region 21096; plus strand). Cytogenetic location: Xq28.
Variant type: copy number loss.
Change: copy number 0 of chrX:154,375,606-154,392,000 (16.4 kb, GRCh38 coordinates, 1-based), cytogenetic band Xq28.
Identifiers: ClinVar variation 2579212 (VCV002579212.1).

ClinVar aggregate classification (germline): Pathogenic (1 of 4 stars; one submission).

Conditions:
X-linked Emery-Dreifuss muscular dystrophy. Also called: Muscular dystrophy, tardive Emery-Dreifuss type, with contractures. Identifiers: Orphanet 261, Orphanet 98863, MedGen C0751337, MONDO:0010680.

Submission:

Broad Center for Mendelian Genomics, Broad Institute of MIT and Harvard
Classification: Pathogenic for Emery-Dreifuss muscular dystrophy 1, X-linked. Last evaluated: 2023-08-24. Review status: criteria provided, single submitter. Criteria: ACMG/ClinGen CNV Guidelines, 2019. Collection method: research. Allele origin: unknown. Inheritance: X-linked inheritance. Affected: yes.
Comment: Inheritance information is unavailable. The patient phenotype is nonspecific, but is consistent with cases described in the literature and/or published databases with overlapping variants. This exon deletion has also been reported in the literature in at least 1 individual with Emery-Dreifuss muscular dystrophy (PMID: 10480214). This deletion is predicted to lead to an absent protein. Loss of function of EMD is an established disease mechanism in X-linked Emery-Dreifuss muscular dystrophy. In summary, this variant meets criteria to be classified as pathogenic for X-linked Emery-Dreifuss muscular dystrophy. The ACMG/ClinGen evidence codes and points used in this curation are as follows: 1: 0 points, 2: 0.90 points, 3: 0 points, 4-5: 0.15 points; Total: 1.05 points; Riggs 2020 (PMID: 31690835).

Literature cited by the submitters: PubMed 32528171; PubMed 10480214.